The following is an entry in ClinVar:

ClinVar aggregate classification (germline): Uncertain significance (1 of 4 stars; one submission).

Conditions:
BCOR-related disorder. Also called: BCOR-related condition; BCOR-related disorders.

Allele frequency attached by ClinVar (database versions not stated): gnomAD exomes below 0.00001.
gnomAD v4.1: 1 of 1,211,320 alleles (0.000083%); highest among the groups gnomAD compares: Non-Finnish European, 0.00011%; no homozygotes.

Submission:

Illumina Laboratory Services, Illumina
Classification: Uncertain significance for BCOR-related disorders. Last evaluated: 2021-03-16. Review status: criteria provided, single submitter. Criteria: ICSLVariantClassificationCriteria RUGD 01 April 2020. Collection method: clinical testing. Allele origin: unknown.
Comment: The BCOR c.467A>C (p.Gln156Pro) variant is a missense variant. A literature search was performed for the gene, cDNA change, and amino acid change. No publications were found based on this search. This variant is not found in the Genome Aggregation Database in a region of good sequence coverage, so the variant is presumed to be rare. Based on the limited evidence, the p.Gln156Pro variant is classified as a variant of uncertain significance for BCOR-related disorders.

NM_001123385.2(BCOR):c.467A>C (p.Gln156Pro)

Genes: BCOR (BCL6 corepressor; minus strand), LOC126863239 (MED14-independent group 3 enhancer GRCh37_chrX:39932994-39934193; plus strand). Cytogenetic location: Xp11.4.
Variant type: single nucleotide variant.
Coding change: c.467A>C on transcript NM_001123385.2 (MANE Select); coding-DNA position 467, A replaced by C.
Protein change: p.Gln156Pro; replaces glutamine 156 with proline.
Molecular consequence: missense variant.
Genome position (GRCh38, 1-based): chrX:40,074,879, T>G on the plus strand (A>C on the coding strand, the complement: BCOR is on the minus strand). VCF-style: chrX-40074879-T-G. GRCh37 (hg19) VCF-style: chrX-39934132-T-G.
Other names: c.467A>C, p.Gln156Pro (NM_001123383.2, NM_001123384.2, NM_017745.6); short protein forms Q156P.
Identifiers: ClinVar variation 1199233 (VCV001199233.4), dbSNP rs2147270447, ClinGen allele CA412748677.